The following is an entry in ClinVar:

NM_000222.3(KIT):c.2489G>C (p.Arg830Pro)

Gene: KIT (KIT proto-oncogene, receptor tyrosine kinase; plus strand). Cytogenetic location: 4q12.
Variant type: single nucleotide variant.
Coding change: c.2489G>C on transcript NM_000222.3 (MANE Select); coding-DNA position 2489, G replaced by C.
Protein change: p.Arg830Pro; replaces arginine 830 with proline.
Molecular consequence: missense variant.
Genome position (GRCh38, 1-based): chr4:54,736,502, G>C. VCF-style: chr4-54736502-G-C. GRCh37 (hg19) VCF-style: chr4-55602668-G-C.
Other names: c.2489G>C (NM_000222.2); c.2477G>C, p.Arg826Pro (NM_001093772.2, NM_001385292.1); c.2492G>C, p.Arg831Pro (NM_001385284.1); c.2486G>C, p.Arg829Pro (NM_001385285.1); c.2474G>C, p.Arg825Pro (NM_001385286.1); c.2480G>C, p.Arg827Pro (NM_001385288.1); c.2489G>C, p.Arg830Pro (NM_001385290.1); short protein forms R825P, R827P, R826P, R829P, R830P, R831P.
Identifiers: ClinVar variation 1507409 (VCV001507409.10), dbSNP rs772311731, ClinGen allele CA356912882.
Genomic context (GRCh38, chr4:54,736,502, plus strand): 5'-CAATTTTGTTGAGCTTCTGAATTAACATTATTGACTCTGTTGTGCTTCTATTACAGGCTC[G>C]ACTACCTGTGAAGTGGATGGCACCTGAAAGCATTTTCAACTGTGTATACACGTTTGAAAG-3'
Protein context (NP_000213.1, residues 820-840): DSNYVVKGNA[Arg830Pro]LPVKWMAPES

ClinVar aggregate classification (germline): Uncertain significance. Review status: criteria provided, multiple submitters, no conflicts (2 of 4 stars). 2 submissions from 2 submitters: Uncertain significance (2). Last evaluated 2023-02-23.

Conditions:
Gastrointestinal stromal tumor. Also called: Gastrointestinal stromal tumor, somatic; Gastrointestinal stroma tumor. Identifiers: Orphanet 44890, MedGen C0238198, MeSH D046152, MONDO:0011719, OMIM 606764, HP:0100723.
Hereditary cancer-predisposing syndrome. Also called: Tumor predisposition; Neoplastic Syndromes, Hereditary; Hereditary Cancer Syndrome; Hereditary neoplastic syndrome. Identifiers: Orphanet 140162, MedGen C0027672, MeSH D009386, MONDO:0015356.

Submissions (2):

Ambry Genetics
Classification: Uncertain significance for Hereditary cancer-predisposing syndrome. Last evaluated: 2023-02-23. Review status: criteria provided, single submitter. Criteria: Ambry Variant Classification Scheme 2023. Collection method: clinical testing. Allele origin: germline.
Comment: The p.R830P variant (also known as c.2489G>C), located in coding exon 18 of the KIT gene, results from a G to C substitution at nucleotide position 2489. The arginine at codon 830 is replaced by proline, an amino acid with dissimilar properties. This amino acid position is conserved. In addition, this alteration is predicted to be deleterious by in silico analysis. Since supporting evidence is limited at this time, the clinical significance of this alteration remains unclear.

Labcorp Genetics (formerly Invitae), Labcorp
Classification: Uncertain significance for Gastrointestinal stromal tumor. Last evaluated: 2020-12-11. Review status: criteria provided, single submitter. Criteria: Invitae Variant Classification Sherloc (09022015). Collection method: clinical testing. Allele origin: germline.
Comment: In summary, the available evidence is currently insufficient to determine the role of this variant in disease. Therefore, it has been classified as a Variant of Uncertain Significance. Algorithms developed to predict the effect of missense changes on protein structure and function (SIFT, PolyPhen-2, Align-GVGD) all suggest that this variant is likely to be disruptive, but these predictions have not been confirmed by published functional studies and their clinical significance is uncertain. This variant has not been reported in the literature in individuals with KIT-related conditions. This variant is not present in population databases (ExAC no frequency). This sequence change replaces arginine with proline at codon 830 of the KIT protein (p.Arg830Pro). The arginine residue is highly conserved and there is a moderate physicochemical difference between arginine and proline.